The following is an entry in ClinVar:

NM_004380.3(CREBBP):c.6033C>G (p.Pro2011=)

Gene: CREBBP (CREB binding lysine acetyltransferase; minus strand). Cytogenetic location: 16p13.3.
Variant type: single nucleotide variant.
Coding change: c.6033C>G on transcript NM_004380.3 (MANE Select); coding-DNA position 6033, C replaced by G.
Protein change: p.Pro2011=; no amino-acid change (proline 2011 retained).
Molecular consequence: synonymous variant.
Genome position (GRCh38, 1-based): chr16:3,729,014, G>C on the plus strand (C>G on the coding strand, the complement: CREBBP is on the minus strand). VCF-style: chr16-3729014-G-C. GRCh37 (hg19) VCF-style: chr16-3779015-G-C.
Other names: c.5919C>G, p.Pro1973= (NM_001079846.1); c.6033C>G (NM_004380.2).
Identifiers: ClinVar variation 4776435 (VCV004776435.2).

ClinVar aggregate classification (germline): Likely benign. Review status: criteria provided, multiple submitters, no conflicts (2 of 4 stars). 2 submissions from 2 submitters: Likely benign (2). Last evaluated 2025-06-04.

Conditions:
Rubinstein-Taybi syndrome (RSTS). Identifiers: Orphanet 783, MedGen C0035934, MONDO:0019188.
CREBBP-related disorder. Also called: CREBBP-related condition; CREBBP-related disorders.

gnomAD v4.1: 5 of 1,591,816 alleles (0.00031%); highest among the groups gnomAD compares: African/African-American, 0.0054%; no homozygotes.

Submissions (2):

Labcorp Genetics (formerly Invitae), Labcorp
Classification: Likely benign for Rubinstein-Taybi syndrome. Last evaluated: 2025-06-04. Review status: criteria provided, single submitter. Criteria: Invitae Variant Classification Sherloc (09022015). Collection method: clinical testing. Allele origin: germline.

PreventionGenetics, part of Exact Sciences
Classification: Likely benign for CREBBP-related condition. Last evaluated: 2025-01-06. Review status: criteria provided, single submitter. Criteria: ACMG Guidelines, 2015. Collection method: clinical testing. Allele origin: germline.
Comment: This variant is classified as likely benign based on ACMG/AMP sequence variant interpretation guidelines (Richards et al. 2015 PMID: 25741868, with internal and published modifications).